The following is an entry in ClinVar:

NM_058216.3(RAD51C):c.984G>A (p.Lys328=)

Gene: RAD51C (RAD51 paralog C; plus strand). Cytogenetic location: 17q22.
Variant type: single nucleotide variant.
Coding change: c.984G>A on transcript NM_058216.3 (MANE Select); coding-DNA position 984, G replaced by A.
Protein change: p.Lys328=; no amino-acid change (lysine 328 retained).
Molecular consequence: synonymous variant. On other transcripts: non-coding transcript variant (1).
Genome position (GRCh38, 1-based): chr17:58,732,502, G>A. VCF-style: chr17-58732502-G-A. GRCh37 (hg19) VCF-style: chr17-56809863-G-A.
Identifiers: ClinVar variation 1126699 (VCV001126699.12), dbSNP rs2144045008, ClinGen allele CA400364917.

ClinVar aggregate classification (germline): Benign/Likely benign. Review status: criteria provided, multiple submitters, no conflicts (2 of 4 stars). 3 submissions from 3 submitters: Benign (1); Likely benign (2). Last evaluated 2025-02-19.

Conditions:
Fanconi anemia complementation group O. Also called: RAD51C-Related Fanconi Anemia. Identifiers: Orphanet 84, MedGen C3150653, MONDO:0013248, OMIM 613390.
Breast-ovarian cancer, familial, susceptibility to, 3. Also called: RAD51C-Related Breast/Ovarian Cancer. Identifiers: Orphanet 145, MedGen C3150659, MONDO:0013253, OMIM 613399.
Hereditary cancer-predisposing syndrome. Also called: Neoplastic Syndromes, Hereditary; Tumor predisposition; Hereditary Cancer Syndrome; Hereditary neoplastic syndrome. Identifiers: Orphanet 140162, MedGen C0027672, MeSH D009386, MONDO:0015356.

Allele frequency attached by ClinVar (database versions not stated): gnomAD exomes 0.00001.
gnomAD v4.1: 13 of 1,613,312 alleles (0.00081%); highest among the groups gnomAD compares: Non-Finnish European, 0.0011%; no homozygotes.

Submissions (3):

Myriad Genetics, Inc.
Classification: Benign for Breast-ovarian cancer, familial, susceptibility to, 3. Last evaluated: 2025-02-19. Review status: criteria provided, single submitter. Criteria: Myriad Autosomal Dominant, Autosomal Recessive and X-Linked Classification Criteria (2023). Collection method: clinical testing. Allele origin: unknown.
Comment: This variant is considered benign. This variant is a silent/synonymous amino acid change and it is not expected to impact splicing.

Labcorp Genetics (formerly Invitae), Labcorp
Classification: Likely benign for Fanconi anemia complementation group O. Last evaluated: 2024-11-19. Review status: criteria provided, single submitter. Criteria: Invitae Variant Classification Sherloc (09022015). Collection method: clinical testing. Allele origin: germline.

Ambry Genetics
Classification: Likely benign for Hereditary cancer-predisposing syndrome. Last evaluated: 2020-08-28. Review status: criteria provided, single submitter. Criteria: Ambry Variant Classification Scheme 2023. Collection method: clinical testing. Allele origin: germline.